The following is an entry in ClinVar:

NM_012242.4(DKK1):c.337G>A (p.Ala113Thr)

Gene: DKK1 (dickkopf Wnt signaling pathway inhibitor 1; plus strand). Cytogenetic location: 10q21.1.
Variant type: single nucleotide variant.
Coding change: c.337G>A on transcript NM_012242.4 (MANE Select); coding-DNA position 337, G replaced by A.
Protein change: p.Ala113Thr; replaces alanine 113 with threonine.
Molecular consequence: missense variant.
Genome position (GRCh38, 1-based): chr10:52,315,016, G>A. VCF-style: chr10-52315016-G-A. GRCh37 (hg19) VCF-style: chr10-54074776-G-A.
Other names: c.337G>A (NM_012242.2); short protein forms A113T.
Identifiers: ClinVar variation 2640478 (VCV002640478.25), dbSNP rs372651276, ClinGen allele CA207404643.
Genomic context (GRCh38, chr10:52,315,016, plus strand): 5'-ACTGATGAGTACTGCGCTAGTCCCACCCGCGGAGGGGACGCAGGCGTGCAAATCTGTCTC[G>A]CCTGCAGGAAGCGCCGAAAACGCTGCATGCGTCACGCTATGTGCTGCCCCGGGAATTACT-3'
Protein context (NP_036374.1, residues 103-123): GGDAGVQICL[Ala113Thr]CRKRRKRCMR

ClinVar aggregate classification (germline): Conflicting classifications of pathogenicity. Review status: criteria provided, conflicting classifications (1 of 4 stars). 2 submissions from 2 submitters: Uncertain significance (1); Likely benign (1). Last evaluated 2024-09-03.

Allele frequency attached by ClinVar (database versions not stated): ESP Exome Variant Server 0.00008; TOPMed 0.00015.
gnomAD v4.1: 37 of 1,605,056 alleles (0.0023%); highest among the groups gnomAD compares: African/African-American, 0.037%; no homozygotes.

Submissions (2):

Ambry Genetics
Classification: Uncertain significance. Last evaluated: 2024-09-03. Review status: criteria provided, single submitter. Criteria: Ambry Variant Classification Scheme 2023. Collection method: clinical testing. Allele origin: germline.

CeGaT Center for Human Genetics Tuebingen
Classification: Likely benign. Last evaluated: 2022-11-01. Review status: criteria provided, single submitter. Criteria: CeGaT Center For Human Genetics Tuebingen Variant Classification Criteria Version 2. Collection method: clinical testing. Allele origin: germline. Affected: yes. Observed: 1 variant allele.
Comment: DKK1: BP4